The following is an entry in ClinVar:

ClinVar aggregate classification (germline): Likely benign (0 of 4 stars; one submission).

Conditions:
KHK-related disorder. Also called: KHK-related condition.

Allele frequency attached by ClinVar (database versions not stated): gnomAD exomes 0.00011; 1000 Genomes Project 30x 0.00078; gnomAD 0.00137; TOPMed 0.00154; ESP Exome Variant Server 0.00185; 1000 Genomes Project 0.00100; ExAC 0.00051.
gnomAD v4.1: 368 of 1,614,048 alleles (0.023%); highest among the groups gnomAD compares: African/African-American, 0.46%; 2 homozygotes.

Submission:

PreventionGenetics, part of Exact Sciences
Classification: Likely benign for KHK-related condition. Last evaluated: 2020-05-05. Review status: no assertion criteria provided. Collection method: clinical testing. Allele origin: germline.
Comment: This variant is classified as likely benign based on ACMG/AMP sequence variant interpretation guidelines (Richards et al. 2015 PMID: 25741868, with internal and published modifications).

NM_006488.3(KHK):c.817A>G (p.Ser273Gly)

Genes: CGREF1 (cell growth regulator with EF-hand domain 1; minus strand), KHK (ketohexokinase; plus strand). Cytogenetic location: 2p23.3.
Variant type: single nucleotide variant.
Coding change: c.817A>G on transcript NM_006488.3 (MANE Select); coding-DNA position 817, A replaced by G.
Protein change: p.Ser273Gly; replaces serine 273 with glycine.
Molecular consequence: missense variant. On other transcripts: 3 prime UTR variant (2).
Genome position (GRCh38, 1-based): chr2:27,099,670, A>G. VCF-style: chr2-27099670-A-G. GRCh37 (hg19) VCF-style: chr2-27322538-A-G.
Other names: c.*114T>C (NM_001166240.2); c.*191T>C (NM_001301324.2); c.817A>G, p.Ser273Gly (NM_000221.3); short protein forms S273G.
Identifiers: ClinVar variation 3041282 (VCV003041282.2), dbSNP rs61735560, ClinGen allele CA1569464.